The following is an entry in ClinVar:

ClinVar aggregate classification (germline): Uncertain significance (1 of 4 stars; one submission).

Conditions:
Neurofibromatosis, type 1 (NF1). Also called: VON RECKLINGHAUSEN DISEASE; NEUROFIBROMATOSIS, TYPE I, SOMATIC; Neurofibromatosis, type I; Peripheral type neurofibromatosis. Identifiers: Orphanet 636, MedGen C0027831, MONDO:0018975, OMIM 162200. Disease mechanism: loss of function.

Submission:

Labcorp Genetics (formerly Invitae), Labcorp
Classification: Uncertain significance for Neurofibromatosis, type 1. Last evaluated: 2023-01-25. Review status: criteria provided, single submitter. Criteria: Invitae Variant Classification Sherloc (09022015). Collection method: clinical testing. Allele origin: germline.
Comment: This sequence change replaces valine, which is neutral and non-polar, with methionine, which is neutral and non-polar, at codon 2022 of the NF1 protein (p.Val2022Met). In summary, the available evidence is currently insufficient to determine the role of this variant in disease. Therefore, it has been classified as a Variant of Uncertain Significance. Advanced modeling of protein sequence and biophysical properties (such as structural, functional, and spatial information, amino acid conservation, physicochemical variation, residue mobility, and thermodynamic stability) performed at Invitae indicates that this missense variant is expected to disrupt NF1 protein function. This variant has not been reported in the literature in individuals affected with NF1-related conditions. This variant is not present in population databases (gnomAD no frequency).

NM_001042492.3(NF1):c.6127G>A (p.Val2043Met)

Gene: NF1 (neurofibromin 1; plus strand). Cytogenetic location: 17q11.2.
Variant type: single nucleotide variant.
Coding change: c.6127G>A on transcript NM_001042492.3 (MANE Select); coding-DNA position 6127, G replaced by A.
Protein change: p.Val2043Met; replaces valine 2043 with methionine.
Molecular consequence: missense variant.
Genome position (GRCh38, 1-based): chr17:31,336,453, G>A. VCF-style: chr17-31336453-G-A. GRCh37 (hg19) VCF-style: chr17-29663471-G-A.
Other names: c.6064G>A, p.Val2022Met (NM_000267.4); short protein forms V2043M, V2022M.
Identifiers: ClinVar variation 2831815 (VCV002831815.3), dbSNP rs2151553552, ClinGen allele CA399011487.